The following is an entry in ClinVar:

NM_001235.5(SERPINH1):c.133G>A (p.Glu45Lys)

Gene: SERPINH1 (serpin family H member 1; plus strand). Cytogenetic location: 11q13.5.
Variant type: single nucleotide variant.
Coding change: c.133G>A on transcript NM_001235.5 (MANE Select); coding-DNA position 133, G replaced by A.
Protein change: p.Glu45Lys; replaces glutamic acid 45 with lysine.
Molecular consequence: missense variant.
Genome position (GRCh38, 1-based): chr11:75,566,482, G>A. VCF-style: chr11-75566482-G-A. GRCh37 (hg19) VCF-style: chr11-75277527-G-A.
Other names: c.133G>A, p.Glu45Lys (NM_001207014.3); short protein forms E45K.
Identifiers: ClinVar variation 1928333 (VCV001928333.5), dbSNP rs1942076813, ClinGen allele CA381888962.
Genomic context (GRCh38, chr11:75,566,482, plus strand): 5'-GCAGCCGCAGCAGCTCCTGGCACTGCGGAGAAGTTGAGCCCCAAGGCGGCCACGCTTGCC[G>A]AGCGCAGCGCCGGCCTGGCCTTCAGCTTGTACCAGGCCATGGCCAAGGACCAGGCAGTGG-3'
Protein context (NP_001226.2, residues 35-55): KLSPKAATLA[Glu45Lys]RSAGLAFSLY

ClinVar aggregate classification (germline): Uncertain significance (1 of 4 stars; one submission).

gnomAD v4.1: 3 of 1,612,392 alleles (0.00019%); highest among the groups gnomAD compares: South Asian, 0.0011%; no homozygotes.

Submission:

Labcorp Genetics (formerly Invitae), Labcorp
Classification: Uncertain significance. Last evaluated: 2022-06-02. Review status: criteria provided, single submitter. Criteria: Invitae Variant Classification Sherloc (09022015). Collection method: clinical testing. Allele origin: germline.
Comment: In summary, the available evidence is currently insufficient to determine the role of this variant in disease. Therefore, it has been classified as a Variant of Uncertain Significance. Advanced modeling of protein sequence and biophysical properties (such as structural, functional, and spatial information, amino acid conservation, physicochemical variation, residue mobility, and thermodynamic stability) performed at Invitae indicates that this missense variant is not expected to disrupt SERPINH1 protein function. This variant has not been reported in the literature in individuals affected with SERPINH1-related conditions. This variant is not present in population databases (gnomAD no frequency). This sequence change replaces glutamic acid, which is acidic and polar, with lysine, which is basic and polar, at codon 45 of the SERPINH1 protein (p.Glu45Lys).